The following is an entry in ClinVar:

ClinVar aggregate classification (germline): Conflicting classifications of pathogenicity. Review status: criteria provided, conflicting classifications (1 of 4 stars). 6 submissions from 5 submitters: Uncertain significance (5); Likely benign (1). Last evaluated 2025-01-21.

Conditions:
Seckel syndrome 1 (SCKL1). Also called: MICROCEPHALIC PRIMORDIAL DWARFISM I. Identifiers: Orphanet 808, MedGen C4551474, MONDO:0008869, OMIM 210600.
Familial cutaneous telangiectasia and oropharyngeal predisposition cancer syndrome. Identifiers: Orphanet 313846, MedGen C3281203, MONDO:0013806, OMIM 614564.

Allele frequency attached by ClinVar (database versions not stated): gnomAD exomes 0.00002 and 0.00007; ExAC 0.00017; gnomAD 0.00027 and 0.00029; TOPMed 0.00029; ESP Exome Variant Server 0.00038.
gnomAD v4.1: 76 of 1,606,718 alleles (0.0047%); highest among the groups gnomAD compares: African/African-American, 0.09%; no homozygotes.

Submissions (6):

Dasa
Classification: Uncertain significance. Last evaluated: 2025-01-21. Review status: criteria provided, single submitter. Criteria: DASA Assertion Criteria. Collection method: clinical testing. Allele origin: germline.
Comment: NM_001184.4(ATR):c.3581+5A>G is a splice-region variant. This variant is rare in population databases. Computational prediction algorithms are consistent with a benign effect. The currently available literature and clinical evidence are not sufficient to establish a definitive association between this variant and the reported condition. Therefore, this variant is classified as a variant of uncertain significance.

Labcorp Genetics (formerly Invitae), Labcorp
Classification: Uncertain significance. Last evaluated: 2024-11-24. Review status: criteria provided, single submitter. Criteria: Invitae Variant Classification Sherloc (09022015). Collection method: clinical testing. Allele origin: germline.
Comment: This sequence change falls in intron 18 of the ATR gene. It does not directly change the encoded amino acid sequence of the ATR protein. It affects a nucleotide within the consensus splice site. This variant is present in population databases (rs369917154, gnomAD 0.1%). This variant has not been reported in the literature in individuals affected with ATR-related conditions. ClinVar contains an entry for this variant (Variation ID: 1007549). Variants that disrupt the consensus splice site are a relatively common cause of aberrant splicing (PMID: 17576681, 9536098). Algorithms developed to predict the effect of sequence changes on RNA splicing suggest that this variant is not likely to affect RNA splicing. In summary, the available evidence is currently insufficient to determine the role of this variant in disease. Therefore, it has been classified as a Variant of Uncertain Significance.

Blueprint Genetics
Classification: Likely benign. Last evaluated: 2023-10-26. Review status: criteria provided, single submitter. Criteria: ACMG Guidelines, 2015. Collection method: clinical testing. Allele origin: germline.

Genome-Nilou Lab
Classification: Uncertain significance for Seckel syndrome 1. Last evaluated: 2023-02-08. Review status: criteria provided, single submitter. Criteria: ACMG Guidelines, 2015. Collection method: clinical testing. Allele origin: germline.

Genome-Nilou Lab
Classification: Uncertain significance for Familial cutaneous telangiectasia and oropharyngeal predisposition cancer syndrome. Last evaluated: 2023-02-08. Review status: criteria provided, single submitter. Criteria: ACMG Guidelines, 2015. Collection method: clinical testing. Allele origin: germline.

Genetic Services Laboratory, University of Chicago
Classification: Uncertain significance. Last evaluated: 2018-01-19. Review status: criteria provided, single submitter. Criteria: ACMG Guidelines, 2015. Collection method: clinical testing. Allele origin: germline. Affected: no.

Literature cited by the submitters: PubMed 17576681 (cited by Labcorp Genetics (formerly Invitae), Labcorp); PubMed 9536098 (cited by Labcorp Genetics (formerly Invitae), Labcorp).

NM_001184.4(ATR):c.3581+5A>G

Gene: ATR (ATR checkpoint kinase; minus strand). Cytogenetic location: 3q23.
Variant type: single nucleotide variant.
Coding change: c.3581+5A>G on transcript NM_001184.4 (MANE Select); 5 bases into the intron after coding-DNA position 3581, A replaced by G.
Molecular consequence: intron variant.
Genome position (GRCh38, 1-based): chr3:142,540,899, T>C on the plus strand (A>G on the coding strand, the complement: ATR is on the minus strand). VCF-style: chr3-142540899-T-C. GRCh37 (hg19) VCF-style: chr3-142259741-T-C.
Other names: c.3389+5A>G (NM_001354579.2).
Identifiers: ClinVar variation 1007549 (VCV001007549.15), dbSNP rs369917154, ClinGen allele CA2650076.